The following is an entry in ClinVar:

NM_001414.4(EIF2B1):c.78C>T (p.Ala26=)

Gene: EIF2B1 (eukaryotic translation initiation factor 2B subunit alpha; minus strand). Cytogenetic location: 12q24.31.
Variant type: single nucleotide variant.
Coding change: c.78C>T on transcript NM_001414.4 (MANE Select); coding-DNA position 78, C replaced by T.
Protein change: p.Ala26=; no amino-acid change (alanine 26 retained).
Molecular consequence: synonymous variant.
Genome position (GRCh38, 1-based): chr12:123,632,382, G>A on the plus strand (C>T on the coding strand, the complement: EIF2B1 is on the minus strand). VCF-style: chr12-123632382-G-A. GRCh37 (hg19) VCF-style: chr12-124116929-G-A.
Identifiers: ClinVar variation 2961048 (VCV002961048.4), dbSNP rs771407602, ClinGen allele CA6860240.

ClinVar aggregate classification (germline): Likely benign. Review status: criteria provided, multiple submitters, no conflicts (2 of 4 stars). 2 submissions from 2 submitters: Likely benign (2). Last evaluated 2026-07-01.

Allele frequency attached by ClinVar (database versions not stated): ExAC 0.00001; gnomAD exomes 0.00001; TOPMed 0.00002.
gnomAD v4.1: 7 of 1,613,774 alleles (0.00043%); highest among the groups gnomAD compares: Admixed American, 0.005%; no homozygotes.

Submissions (2):

CeGaT Center for Human Genetics Tuebingen
Classification: Likely benign. Last evaluated: 2026-07-01. Review status: criteria provided, single submitter. Criteria: CeGaT Center For Human Genetics Tuebingen Variant Classification Criteria Version 2. Collection method: clinical testing. Allele origin: germline. Affected: yes. Observed: 1 variant allele.
Comment: EIF2B1: BP4, BP7

Labcorp Genetics (formerly Invitae), Labcorp
Classification: Likely benign. Last evaluated: 2025-03-10. Review status: criteria provided, single submitter. Criteria: Invitae Variant Classification Sherloc (09022015). Collection method: clinical testing. Allele origin: germline.